The following is an entry in ClinVar:

ClinVar aggregate classification (germline): Uncertain significance (1 of 4 stars; one submission).

Submission:

Women's Health and Genetics/Laboratory Corporation of America, LabCorp
Classification: Uncertain significance. Last evaluated: 2022-04-26. Review status: criteria provided, single submitter. Criteria: LabCorp Variant Classification Summary - May 2015. Collection method: clinical testing. Allele origin: germline.
Comment: Variant summary: The variant identified by MLPA or other technology involves the duplication of exons 1-2 in the PMM2 gene. The exact breakpoint at the 5' end of this variant is unknown and therefore this duplication might extend upsream of the assayed region of the PMM2 gene. A presumed nomenclature of c.(?_-71)_(178+1_179-1)dup has been designated for the purposes of this classification. It has been assumed that this is a tandem duplication in direct orientation (Richardson_GIM_2018, Newman_AJHG_2015). Since the exact breakpoints of this duplication are not known, it is not possible to predict if it causes an in-frame or an out-of-frame product. The variant was absent in 21692 control chromosomes (gnomAD database, Structural Variants dataset). The available data on variant occurrences in the general population are insufficient to allow any conclusion about variant significance. To our knowledge, no occurrence of c.(?_-71)_(178+1_179-1)dup in individuals affected with Congenital Disorder Of Glycosylation Type 1a and no experimental evidence demonstrating its impact on protein function have been reported. One clinical diagnostic laboratory has submitted clinical-significance assessments for this variant to ClinVar after 2014 without evidence for independent evaluation and classified the variant as uncertain significance. Based on the evidence outlined above, the variant was classified as uncertain significance.

NC_000016.9:g.(?_8891669)_(8895768_8898623)dup

Gene: PMM2 (phosphomannomutase 2; plus strand). Cytogenetic location: 16p13.2.
Variant type: Duplication.
Identifiers: ClinVar variation 1683238 (VCV001683238.1).